The following is an entry in ClinVar:

ClinVar aggregate classification (germline): Uncertain significance (0 of 4 stars; one submission).

Conditions:
TCF20-related disorder. Also called: TCF20-related condition.

gnomAD v4.1: 3 of 1,614,206 alleles (0.00019%); highest among the groups gnomAD compares: Non-Finnish European, 0.00025%; no homozygotes.

Submission:

PreventionGenetics, part of Exact Sciences
Classification: Uncertain significance for TCF20-related condition. Last evaluated: 2024-09-12. Review status: no assertion criteria provided. Collection method: clinical testing. Allele origin: germline.
Comment: The TCF20 c.1735G>A variant is predicted to result in the amino acid substitution p.Glu579Lys. To our knowledge, this variant has not been reported in the literature or in a large population database, indicating this variant is rare. At this time, the clinical significance of this variant is uncertain due to the absence of conclusive functional and genetic evidence.

NM_001378418.1(TCF20):c.1735G>A (p.Glu579Lys)

Gene: TCF20 (transcription factor 20; minus strand). Cytogenetic location: 22q13.2.
Variant type: single nucleotide variant.
Coding change: c.1735G>A on transcript NM_001378418.1 (MANE Select); coding-DNA position 1735, G replaced by A.
Protein change: p.Glu579Lys; replaces glutamic acid 579 with lysine.
Molecular consequence: missense variant.
Genome position (GRCh38, 1-based): chr22:42,213,571, C>T on the plus strand (G>A on the coding strand, the complement: TCF20 is on the minus strand). VCF-style: chr22-42213571-C-T. GRCh37 (hg19) VCF-style: chr22-42609577-C-T.
Other names: c.1735G>A, p.Glu579Lys (NM_005650.4, NM_181492.3); short protein forms E579K.
Identifiers: ClinVar variation 3348219 (VCV003348219.1).
Genomic context (GRCh38, chr22:42,213,571, plus strand): 5'-CCTTTGGGTTCCCGTCGGATGACAATGGCATGTCCTTAGCGCCTGGTGAGGTGGCCTCTT[C>T]TCTTGCGGCAGGACTAGCATTGAGTCTGGGGGGTTCATTCTGAGCACCTTGTGCCGGTGA-3'
Protein context (NP_001365347.1, residues 569-589): PRLNASPAAR[Glu579Lys]EATSPGAKDM